The following is an entry in ClinVar:

ClinVar aggregate classification (germline): Uncertain significance (1 of 4 stars; one submission).

Conditions:
Cardiovascular phenotype. Identifiers: MedGen CN230736.

Allele frequency attached by ClinVar (database versions not stated): gnomAD exomes below 0.00001.
gnomAD v4.1: 1 of 1,607,610 alleles (0.000062%); highest among the groups gnomAD compares: Non-Finnish European, 0.000085%; no homozygotes.

Submission:

Ambry Genetics
Classification: Uncertain significance for Cardiovascular phenotype. Last evaluated: 2022-05-24. Review status: criteria provided, single submitter. Criteria: Ambry Variant Classification Scheme 2023. Collection method: clinical testing. Allele origin: germline.
Comment: The p.L1152P variant (also known as c.3455T>C), located in coding exon 24 of the MYH6 gene, results from a T to C substitution at nucleotide position 3455. The leucine at codon 1152 is replaced by proline, an amino acid with similar properties. This amino acid position is conserved. In addition, this alteration is predicted to be deleterious by in silico analysis. Since supporting evidence is limited at this time, the clinical significance of this alteration remains unclear.

NM_002471.4(MYH6):c.3455T>C (p.Leu1152Pro)

Gene: MYH6 (myosin heavy chain 6; minus strand). Cytogenetic location: 14q11.2.
Variant type: single nucleotide variant.
Coding change: c.3455T>C on transcript NM_002471.4 (MANE Select); coding-DNA position 3455, T replaced by C.
Protein change: p.Leu1152Pro; replaces leucine 1152 with proline.
Molecular consequence: missense variant.
Genome position (GRCh38, 1-based): chr14:23,390,334, A>G on the plus strand (T>C on the coding strand, the complement: MYH6 is on the minus strand). VCF-style: chr14-23390334-A-G. GRCh37 (hg19) VCF-style: chr14-23859543-A-G.
Other names: short protein forms L1152P.
Identifiers: ClinVar variation 1731590 (VCV001731590.2), dbSNP rs2502160224, ClinGen allele CA389006331.